The following is an entry in ClinVar:

ClinVar aggregate classification (germline): Uncertain significance. Review status: criteria provided, single submitter (1 of 4 stars). 3 submissions from 3 submitters: Uncertain significance (1). 2 of the submissions do not count toward it. Last evaluated 2023-10-13.

Conditions:
Combined immunodeficiency due to DOCK8 deficiency (HIES2). Also called: HIES autosomal recessive; Hyper-IgE recurrent infection syndrome, autosomal recessive; HYPER-IgE SYNDROME 2, AUTOSOMAL RECESSIVE, WITH RECURRENT INFECTIONS; DOCK8 Deficiency; HYPER-IgE RECURRENT INFECTION SYNDROME 2, AUTOSOMAL RECESSIVE. Identifiers: Orphanet 217390, MedGen C4722305, MONDO:0009478, OMIM 243700.

Allele frequency attached by ClinVar (database versions not stated): ExAC 0.00001; gnomAD exomes 0.00001; TOPMed 0.00001; gnomAD 0.00002.
gnomAD v4.1: 6 of 1,613,134 alleles (0.00037%); highest among the groups gnomAD compares: Non-Finnish European, 0.00051%; no homozygotes.

Submissions (3):

Labcorp Genetics (formerly Invitae), Labcorp
Classification: Uncertain significance for Combined immunodeficiency due to DOCK8 deficiency. Last evaluated: 2023-10-13. Review status: criteria provided, single submitter. Criteria: Invitae Variant Classification Sherloc (09022015). Collection method: clinical testing. Allele origin: germline.
Comment: This sequence change falls in intron 32 of the DOCK8 gene. It does not directly change the encoded amino acid sequence of the DOCK8 protein. This variant is not present in population databases (gnomAD no frequency). This variant has not been reported in the literature in individuals affected with DOCK8-related conditions. ClinVar contains an entry for this variant (Variation ID: 1206327). Algorithms developed to predict the effect of sequence changes on RNA splicing suggest that this variant may disrupt the consensus splice site. In summary, the available evidence is currently insufficient to determine the role of this variant in disease. Therefore, it has been classified as a Variant of Uncertain Significance.

Clinical Genetics DNA and cytogenetics Diagnostics Lab, Erasmus MC, Erasmus Medical Center
Classification: Uncertain significance. Review status: no assertion criteria provided. Collection method: clinical testing. Allele origin: germline. Affected: yes. Study: VKGL Data-share Consensus. Not counted in ClinVar's aggregate classification.

Laboratory of Diagnostic Genome Analysis, Leiden University Medical Center (LUMC)
Classification: Uncertain significance. Review status: no assertion criteria provided. Collection method: clinical testing. Allele origin: germline. Affected: yes. Study: VKGL Data-share Consensus. Not counted in ClinVar's aggregate classification.

NM_203447.4(DOCK8):c.4154-5C>G

Gene: DOCK8 (dedicator of cytokinesis 8; plus strand). Cytogenetic location: 9p24.3.
Variant type: single nucleotide variant.
Coding change: c.4154-5C>G on transcript NM_203447.4 (MANE Select); 5 bases into the intron before coding-DNA position 4154, C replaced by G.
Molecular consequence: intron variant.
Genome position (GRCh38, 1-based): chr9:422,043, C>G. VCF-style: chr9-422043-C-G. GRCh37 (hg19) VCF-style: chr9-422043-C-G.
Other names: c.3950-5C>G (NM_001193536.2); c.3854-5C>G (NM_001190458.2).
Identifiers: ClinVar variation 1206327 (VCV001206327.10), dbSNP rs760043749, ClinGen allele CA4958965.
Genomic context (GRCh38, chr9:422,043, plus strand): 5'-ACTTCTGGTTATCTTGGAGGGTTTCATGCTAATCAAATTCCTATCATGCATTTCTTAACT[C>G]CTAGGGAACGACCGATTTCCAGGCCTAAATGAAAATTTGAGATGGAAGAAAGAGCAGACA-3'